The following is an entry in ClinVar:

ClinVar aggregate classification (germline): Likely benign. Review status: criteria provided, multiple submitters, no conflicts (2 of 4 stars). 4 submissions from 4 submitters: Likely benign (2). 2 of the submissions do not count toward it. Last evaluated 2025-10-01.

Conditions:
PEX1-related disorder. Also called: PEX1-related condition.
Zellweger spectrum disorders (ZS). Also called: Zellweger Spectrum Disorder; Zellweger Spectrum; Zellweger Spectrum Disorder (ZSD); Zellweger syndrome. Identifiers: Orphanet 912, MedGen C0043459, MONDO:0019609.

Allele frequency attached by ClinVar (database versions not stated): gnomAD exomes 0.00004 and 0.00019; ExAC 0.00005; TOPMed 0.00006; gnomAD 0.00007 and 0.00008; ESP Exome Variant Server 0.00008.
gnomAD v4.1: 277 of 1,613,542 alleles (0.017%); highest among the groups gnomAD compares: Non-Finnish European, 0.023%; no homozygotes.

Submissions (4):

Labcorp Genetics (formerly Invitae), Labcorp
Classification: Likely benign for Zellweger spectrum disorders. Last evaluated: 2025-10-01. Review status: criteria provided, single submitter. Criteria: Invitae Variant Classification Sherloc (09022015). Collection method: clinical testing. Allele origin: germline.

Blueprint Genetics
Classification: Likely benign. Last evaluated: 2023-11-03. Review status: criteria provided, single submitter. Criteria: ACMG Guidelines, 2015. Collection method: clinical testing. Allele origin: germline.

PreventionGenetics, part of Exact Sciences
Classification: Likely benign for PEX1-related condition. Last evaluated: 2022-11-11. Review status: no assertion criteria provided. Collection method: clinical testing. Allele origin: germline. Not counted in ClinVar's aggregate classification.
Comment: This variant is classified as likely benign based on ACMG/AMP sequence variant interpretation guidelines (Richards et al. 2015 PMID: 25741868, with internal and published modifications).

Natera, Inc.
Classification: Likely benign for Zellweger syndrome. Last evaluated: 2017-11-16. Review status: no assertion criteria provided. Collection method: clinical testing. Allele origin: germline. Not counted in ClinVar's aggregate classification.

NM_000466.3(PEX1):c.3762T>C (p.Ala1254=)

Genes: GATAD1 (GATA zinc finger domain containing 1; plus strand), PEX1 (peroxisomal biogenesis factor 1; minus strand). Cytogenetic location: 7q21.2.
Variant type: single nucleotide variant.
Coding change: c.3762T>C on transcript NM_000466.3 (MANE Select); coding-DNA position 3762, T replaced by C.
Protein change: p.Ala1254=; no amino-acid change (alanine 1254 retained).
Molecular consequence: synonymous variant.
Genome position (GRCh38, 1-based): chr7:92,489,298, A>G on the plus strand (T>C on the coding strand, the complement: PEX1 is on the minus strand). VCF-style: chr7-92489298-A-G. GRCh37 (hg19) VCF-style: chr7-92118612-A-G.
Other names: c.3591T>C, p.Ala1197= (NM_001282677.2); c.3138T>C, p.Ala1046= (NM_001282678.2).
Identifiers: ClinVar variation 755351 (VCV000755351.17), dbSNP rs375213175, ClinGen allele CA4340750.